The following is an entry in ClinVar:

NM_004606.5(TAF1):c.1255G>A (p.Gly419Arg)

Gene: TAF1 (TATA-box binding protein associated factor 1; plus strand). Cytogenetic location: Xq13.1.
Variant type: single nucleotide variant.
Coding change: c.1255G>A on transcript NM_004606.5 (MANE Select); coding-DNA position 1255, G replaced by A.
Protein change: p.Gly419Arg; replaces glycine 419 with arginine.
Molecular consequence: missense variant. On other transcripts: non-coding transcript variant (9).
Genome position (GRCh38, 1-based): chrX:71,378,926, G>A. VCF-style: chrX-71378926-G-A. GRCh37 (hg19) VCF-style: chrX-70598776-G-A.
Other names: c.1255G>A, p.Gly419Arg (NM_001286074.2); c.1192G>A, p.Gly398Arg (NM_138923.4); short protein forms G398R, G419R.
Identifiers: ClinVar variation 1309211 (VCV001309211.2), dbSNP rs2148243334, ClinGen allele CA413510508.
Genomic context (GRCh38, chrX:71,378,926, plus strand): 5'-GCTGATGAAAACTTCCTGATGGTGACACAGCTGCATTGGGAGGATGATATCATCTGGGAT[G>A]GGGAGGATGTCAAACACAAAGGGACAAAACCTCAGCGTGCAAGCCTGGCAGGCTGGCTTC-3'
Protein context (NP_004597.3, residues 409-429): LHWEDDIIWD[Gly419Arg]EDVKHKGTKP

ClinVar aggregate classification (germline): Uncertain significance (1 of 4 stars; one submission).

Submission:

GeneDx
Classification: Uncertain significance. Last evaluated: 2021-04-30. Review status: criteria provided, single submitter. Criteria: GeneDx Variant Classification Process June 2021. Collection method: clinical testing. Allele origin: germline. Affected: yes.
Comment: Not observed in large population cohorts (Lek et al., 2016); In silico analysis supports that this missense variant has a deleterious effect on protein structure/function; Has not been previously published as pathogenic or benign to our knowledge